The following is an entry in ClinVar:

NM_005076.5(CNTN2):c.2731+6T>A

Gene: CNTN2 (contactin 2; plus strand). Cytogenetic location: 1q32.1.
Variant type: single nucleotide variant.
Coding change: c.2731+6T>A on transcript NM_005076.5 (MANE Select); 6 bases into the intron after coding-DNA position 2731, T replaced by A.
Molecular consequence: intron variant.
Genome position (GRCh38, 1-based): chr1:205,072,139, T>A. VCF-style: chr1-205072139-T-A. GRCh37 (hg19) VCF-style: chr1-205041267-T-A.
Other names: c.2731+6T>A (NM_001346083.2).
Identifiers: ClinVar variation 1043356 (VCV001043356.4), dbSNP rs769776725, ClinGen allele CA1351771.

ClinVar aggregate classification (germline): Uncertain significance (1 of 4 stars; one submission).

Conditions:
Epilepsy, familial adult myoclonic, 5 (EPEO5). Also called: CORTICAL MYOCLONIC TREMOR WITH EPILEPSY, FAMILIAL, 5. Identifiers: Orphanet 86814, MedGen C3809374, MONDO:0014167, OMIM 615400.

Allele frequency attached by ClinVar (database versions not stated): gnomAD 0.00001; gnomAD exomes 0.00001 and 0.00005; TOPMed 0.00002; ExAC 0.00004.
gnomAD v4.1: 16 of 1,602,992 alleles (0.001%); highest among the groups gnomAD compares: Admixed American, 0.024%; no homozygotes.

Submission:

Labcorp Genetics (formerly Invitae), Labcorp
Classification: Uncertain significance for Epilepsy, familial adult myoclonic, 5. Last evaluated: 2022-07-19. Review status: criteria provided, single submitter. Criteria: Invitae Variant Classification Sherloc (09022015). Collection method: clinical testing. Allele origin: germline.
Comment: This sequence change falls in intron 20 of the CNTN2 gene. It does not directly change the encoded amino acid sequence of the CNTN2 protein. It affects a nucleotide within the consensus splice site. This variant is present in population databases (rs769776725, gnomAD 0.04%). This variant has not been reported in the literature in individuals affected with CNTN2-related conditions. ClinVar contains an entry for this variant (Variation ID: 1043356). Variants that disrupt the consensus splice site are a relatively common cause of aberrant splicing (PMID: 17576681, 9536098). Algorithms developed to predict the effect of sequence changes on RNA splicing suggest that this variant may create or strengthen a splice site. In summary, the available evidence is currently insufficient to determine the role of this variant in disease. Therefore, it has been classified as a Variant of Uncertain Significance.

Literature cited by the submitters: PubMed 17576681; PubMed 9536098.